The following is an entry in ClinVar:

NM_172107.4(KCNQ2):c.973A>G (p.Arg325Gly)

Gene: KCNQ2 (potassium voltage-gated channel subfamily Q member 2; minus strand). Cytogenetic location: 20q13.33.
Variant type: single nucleotide variant.
Coding change: c.973A>G on transcript NM_172107.4 (MANE Select); coding-DNA position 973, A replaced by G.
Protein change: p.Arg325Gly; replaces arginine 325 with glycine.
Molecular consequence: missense variant.
Genome position (GRCh38, 1-based): chr20:63,438,675, T>C on the plus strand (A>G on the coding strand, the complement: KCNQ2 is on the minus strand). VCF-style: chr20-63438675-T-C. GRCh37 (hg19) VCF-style: chr20-62070028-T-C.
Other names: c.973A>G, p.Arg325Gly (NM_004518.6, NM_172106.3, NM_172108.5 and 1 more transcripts); short protein forms R325G.
Identifiers: ClinVar variation 369775 (VCV000369775.29), dbSNP rs1057516103, ClinGen allele CA10654804.

ClinVar aggregate classification (germline): Likely pathogenic. Review status: criteria provided, single submitter (1 of 4 stars). 2 submissions from 2 submitters: Likely pathogenic (1). 1 of the submissions does not count toward it. Last evaluated 2023-05-01.

Conditions:
Developmental and epileptic encephalopathy, 7 (DEE7). Also called: KCNQ2-Related Neonatal-Onset Developmental and Epileptic Encephalopathy (NEO-DEE); KCNQ2-Related Neonatal Epileptic Encephalopathy; Early infantile epileptic encephalopathy 7. Identifiers: Orphanet 439218, MedGen C3150986, MONDO:0013387, OMIM 613720.

Submissions (2):

CeGaT Center for Human Genetics Tuebingen
Classification: Likely pathogenic. Last evaluated: 2023-05-01. Review status: criteria provided, single submitter. Criteria: CeGaT Center For Human Genetics Tuebingen Variant Classification Criteria Version 2. Collection method: clinical testing. Allele origin: germline. Affected: yes. Observed: 1 variant allele.
Comment: KCNQ2: PM2, PM6, PS4:Moderate, PP2, PP3, PS3:Supporting

GeneReviews
No classification provided. Condition: Developmental and epileptic encephalopathy, 7. Review status: no classification provided. Collection method: literature only. Allele origin: germline. Affected: yes. Not counted in ClinVar's aggregate classification.
Comment: EE (epileptic encephalopathy)

Functional effect: No published data on this observed variant. Telezhkin studied the related but more conservative Arg325Ala in detail, expressed alone and compared to wild type KCNQ2 (CHO cells): 60% reduced current, reduced PIP2 binding, did not perform studies mimicking heterozygosity or of KCNQ3 co-expression.

Literature cited by the submitters: PubMed 23291709 (cited by GeneReviews); PubMed 24107868 (cited by GeneReviews); PubMed 24371303 (cited by GeneReviews); NCBI Bookshelf NBK32534 (cited by GeneReviews).